The following is an entry in ClinVar:

NM_007294.4(BRCA1):c.1836dup (p.Arg613fs)

Gene: BRCA1 (BRCA1 DNA repair associated; minus strand). Cytogenetic location: 17q21.31.
Variant type: Duplication.
Coding change: c.1836dup on transcript NM_007294.4 (MANE Select); coding-DNA position 1836, one base duplicated (G; older notation c.1836dupG).
Protein change: p.Arg613fs; shifts the reading frame from arginine 613.
Molecular consequence: frameshift variant. On other transcripts: intron variant (137).
Genome position (GRCh38, 1-based): chr17:43,093,695, C duplicated on the plus strand (G on the coding strand, the reverse complement: BRCA1 is on the minus strand); the first of 2 consecutive C bases (chr17:43,093,695-43,093,696); duplicating either gives the same sequence. VCF-style (leftmost placement, unchanged base first): chr17-43093694-T-TC. GRCh37 (hg19) VCF-style: chr17-41245711-T-TC.
Other names: c.1836dupG (NM_007294.3); c.1827dup, p.Arg610fs (NM_001407646.1, NM_001407647.1); c.1713dup, p.Arg572fs (NM_001407648.1, NM_001407664.1, NM_001407665.1 and 19 more transcripts); c.1710dup, p.Arg571fs (NM_001407649.1, NM_001407670.1, NM_001407671.1 and 11 more transcripts); c.1836dup, p.Arg613fs (NM_001407652.1, NM_001407684.1, NM_001407854.1 and 30 more transcripts); c.1758dup, p.Arg587fs (NM_001407653.1, NM_001407654.1, NM_001407655.1 and 4 more transcripts); c.1755dup, p.Arg586fs (NM_001407659.1, NM_001407660.1, NM_001407661.1 and 1 more transcripts); c.1695dup, p.Arg566fs (NM_001407692.1, NM_001407694.1, NM_001407695.1 and 29 more transcripts); and 41 more; short protein forms R566fs, R613fs, R445fs, R485fs, R524fs, R545fs, R571fs, R587fs.
Identifiers: ClinVar variation 233617 (VCV000233617.14), dbSNP rs876660523, ClinGen allele CA10580647.
Genomic context (GRCh38, chr17:43,093,694, plus strand): 5'-GGCTTAGATTTCTACTGACTACTAGTTCAAGCGCATGAATATGCCTGGTAGAAGACTTCC[T>TC]CCTCAGCCTATTCTTTTTAGGTGCTTTTGAATTGTGGATATTTAATTCGAGTTCCATATT-3'

ClinVar aggregate classification (germline): Pathogenic. Review status: reviewed by expert panel (3 of 4 stars). 4 submissions from 4 submitters: Pathogenic (1). 3 of the submissions do not count toward it. Last evaluated 2017-12-15.

Conditions:
Hereditary breast ovarian cancer syndrome. Also called: Breast and ovarian cancer; Hereditary breast and ovarian cancer; Hereditary breast and ovarian cancer syndrome; Hereditary breast and/or ovarian cancer syndrome; BRCA1- and BRCA2-Associated Hereditary Breast and Ovarian Cancer; Hereditary breast and ovarian cancer syndrome (HBOC). Identifiers: Orphanet 145, MedGen C0677776, MeSH D061325, MONDO:0003582. Disease mechanism: loss of function.
Breast-ovarian cancer, familial, susceptibility to, 1 (BROVCA1). Also called: BRCA1 Hereditary Breast and Ovarian Cancer; OVARIAN CANCER, SUSCEPTIBILITY TO. Identifiers: Orphanet 145, MedGen C2676676, MONDO:0011450, OMIM 604370. Disease mechanism: loss of function.
Hereditary cancer-predisposing syndrome. Also called: Tumor predisposition; Hereditary Cancer Syndrome; Neoplastic Syndromes, Hereditary; Hereditary neoplastic syndrome. Identifiers: Orphanet 140162, MedGen C0027672, MeSH D009386, MONDO:0015356.

Submissions (4):

Evidence-based Network for the Interpretation of Germline Mutant Alleles (ENIGMA)
Classification: Pathogenic for Breast-ovarian cancer, familial, susceptibility to, 1. Last evaluated: 2017-12-15. Review status: reviewed by expert panel. Criteria: ENIGMA BRCA1/2 Classification Criteria (2017-06-29). Collection method: curation. Allele origin: germline. Study: ENIGMA.
Comment: Variant allele predicted to encode a truncated non-functional protein.

Ambry Genetics
Classification: Pathogenic for Hereditary cancer-predisposing syndrome. Last evaluated: 2024-11-01. Review status: criteria provided, single submitter. Criteria: Ambry Variant Classification Scheme 2023. Collection method: clinical testing. Allele origin: germline. Not counted in ClinVar's aggregate classification.
Comment: The c.1836dupG pathogenic mutation, located in coding exon 9 of the BRCA1 gene, results from a duplication of G at nucleotide position 1836, causing a translational frameshift with a predicted alternate stop codon (p.R613Efs*12). This variant is considered to be rare based on population cohorts in the Genome Aggregation Database (gnomAD). This alteration is expected to result in loss of function by premature protein truncation or nonsense-mediated mRNA decay. As such, this alteration is interpreted as a disease-causing mutation.

Labcorp Genetics (formerly Invitae), Labcorp
Classification: Pathogenic for Hereditary breast ovarian cancer syndrome. Last evaluated: 2023-11-02. Review status: criteria provided, single submitter. Criteria: Invitae Variant Classification Sherloc (09022015). Collection method: clinical testing. Allele origin: germline. Not counted in ClinVar's aggregate classification.
Comment: This sequence change creates a premature translational stop signal (p.Arg613Glufs*12) in the BRCA1 gene. It is expected to result in an absent or disrupted protein product. Loss-of-function variants in BRCA1 are known to be pathogenic (PMID: 20104584). This variant is not present in population databases (gnomAD no frequency). This variant has not been reported in the literature in individuals affected with BRCA1-related conditions. ClinVar contains an entry for this variant (Variation ID: 233617). For these reasons, this variant has been classified as Pathogenic.

Baylor Genetics
Classification: Pathogenic for Breast-ovarian cancer, familial, susceptibility to, 1. Last evaluated: 2022-09-04. Review status: criteria provided, single submitter. Criteria: ACMG Guidelines, 2015. Collection method: clinical testing. Allele origin: unknown. Not counted in ClinVar's aggregate classification.

Literature cited by the submitters: PubMed 20104584 (cited by Labcorp Genetics (formerly Invitae), Labcorp).